The following is an entry in ClinVar:

ClinVar aggregate classification (germline): Uncertain significance. Review status: criteria provided, multiple submitters, no conflicts (2 of 4 stars). 2 submissions from 2 submitters: Uncertain significance (2). Last evaluated 2026-01-12.

Conditions:
Hereditary cancer-predisposing syndrome. Also called: Hereditary Cancer Syndrome; Neoplastic Syndromes, Hereditary; Tumor predisposition; Hereditary neoplastic syndrome. Identifiers: Orphanet 140162, MedGen C0027672, MeSH D009386, MONDO:0015356.
Ataxia-telangiectasia syndrome (AT). Also called: Ataxia-telangiectasia, complementation group D; ATAXIA-TELANGIECTASIA, COMPLEMENTATION GROUP A; ATAXIA-TELANGIECTASIA, FRESNO VARIANT; Ataxia-telangiectasia, complementation group E; Cerebello-oculocutaneous telangiectasia; Immunodeficiency with ataxia telangiectasia. Identifiers: Orphanet 100, MedGen C0004135, MONDO:0008840, OMIM 208900.

Allele frequency attached by ClinVar (database versions not stated): gnomAD exomes below 0.00001.
gnomAD v4.1: 1 of 1,612,476 alleles (0.000062%); highest among the groups gnomAD compares: Middle Eastern, 0.017%; no homozygotes.

Submissions (2):

Labcorp Genetics (formerly Invitae), Labcorp
Classification: Uncertain significance for Ataxia-telangiectasia syndrome. Last evaluated: 2026-01-12. Review status: criteria provided, single submitter. Criteria: Invitae Variant Classification Sherloc (09022015). Collection method: clinical testing. Allele origin: germline.
Comment: This sequence change replaces serine, which is neutral and polar, with asparagine, which is neutral and polar, at codon 1338 of the ATM protein (p.Ser1338Asn). The frequency data for this variant in the population databases is considered unreliable, as metrics indicate poor data quality at this position in the gnomAD database. This variant has not been reported in the literature in individuals affected with ATM-related conditions. ClinVar contains an entry for this variant (Variation ID: 1352111). Invitae Evidence Modeling of protein sequence and biophysical properties (such as structural, functional, and spatial information, amino acid conservation, physicochemical variation, residue mobility, and thermodynamic stability) indicates that this missense variant is not expected to disrupt ATM protein function with a negative predictive value of 95%. In summary, the available evidence is currently insufficient to determine the role of this variant in disease. Therefore, it has been classified as a Variant of Uncertain Significance.

Ambry Genetics
Classification: Uncertain significance for Hereditary cancer-predisposing syndrome. Last evaluated: 2021-03-17. Review status: criteria provided, single submitter. Criteria: Ambry Variant Classification Scheme 2023. Collection method: clinical testing. Allele origin: germline.
Comment: The p.S1338N variant (also known as c.4013G>A), located in coding exon 26 of the ATM gene, results from a G to A substitution at nucleotide position 4013. The serine at codon 1338 is replaced by asparagine, an amino acid with highly similar properties. This amino acid position is well conserved in available vertebrate species. In addition, this alteration is predicted to be tolerated by in silico analysis. Since supporting evidence is limited at this time, the clinical significance of this alteration remains unclear.

NM_000051.4(ATM):c.4013G>A (p.Ser1338Asn)

Gene: ATM (ATM serine/threonine kinase; plus strand). Cytogenetic location: 11q22.3.
Variant type: single nucleotide variant.
Coding change: c.4013G>A on transcript NM_000051.4 (MANE Select); coding-DNA position 4013, G replaced by A.
Protein change: p.Ser1338Asn; replaces serine 1338 with asparagine.
Molecular consequence: missense variant.
Genome position (GRCh38, 1-based): chr11:108,287,619, G>A. VCF-style: chr11-108287619-G-A. GRCh37 (hg19) VCF-style: chr11-108158346-G-A.
Other names: c.4013G>A, p.Ser1338Asn (NM_001351834.2); short protein forms S1338N.
Identifiers: ClinVar variation 1352111 (VCV001352111.8), dbSNP rs1302951937, ClinGen allele CA382527584.
Genomic context (GRCh38, chr11:108,287,619, plus strand): 5'-ATATAAAATATTAAATATATTTTAATTTTGTGCCCTTGCAGATTGATCACTTATTCATTA[G>A]TAATTTACCAGAGATTGTGGTGGAGTTATTGATGACGTTACATGAGCCAGCAAATTCTAG-3'
Protein context (NP_000042.3, residues 1328-1348): LGKQIDHLFI[Ser1338Asn]NLPEIVVELL